The following is an entry in ClinVar:

NM_001457.4(FLNB):c.6154C>G (p.Leu2052Val)

Gene: FLNB (filamin B; plus strand). Cytogenetic location: 3p14.3.
Variant type: single nucleotide variant.
Coding change: c.6154C>G on transcript NM_001457.4 (MANE Select); coding-DNA position 6154, C replaced by G.
Protein change: p.Leu2052Val; replaces leucine 2052 with valine.
Molecular consequence: missense variant.
Genome position (GRCh38, 1-based): chr3:58,149,912, C>G. VCF-style: chr3-58149912-C-G. GRCh37 (hg19) VCF-style: chr3-58135639-C-G.
Other names: c.6247C>G, p.Leu2083Val (NM_001164317.2); c.6121C>G, p.Leu2041Val (NM_001164318.2); c.6082C>G, p.Leu2028Val (NM_001164319.2); short protein forms L2028V, L2052V, L2083V, L2041V.
Identifiers: ClinVar variation 2980624 (VCV002980624.4), dbSNP rs372726521, ClinGen allele CA2469260.
Genomic context (GRCh38, chr3:58,149,912, plus strand): 5'-TATGGTGGCATATCCTTGGCGGTGGAAGGCCCCAGCAAAGTGGACATCCAGACGGAGGAC[C>G]TGGAAGATGGCACCTGCAAAGTCTCCTACTTCCCTACCGTGCCTGGGGTTTATATCGTCT-3'
Protein context (NP_001448.2, residues 2042-2062): PSKVDIQTED[Leu2052Val]EDGTCKVSYF

ClinVar aggregate classification (germline): Uncertain significance. Review status: criteria provided, multiple submitters, no conflicts (2 of 4 stars). 2 submissions from 2 submitters: Uncertain significance (2). Last evaluated 2026-05-14.

gnomAD v4.1: 8 of 1,614,114 alleles (0.0005%); highest among the groups gnomAD compares: African/African-American, 0.0013%; no homozygotes.

Submissions (2):

Women's Health and Genetics/Laboratory Corporation of America, LabCorp
Classification: Uncertain significance. Last evaluated: 2026-05-14. Review status: criteria provided, single submitter. Criteria: LabCorp Variant Classification Summary - May 2015. Collection method: clinical testing. Allele origin: germline.
Comment: Variant summary: FLNB c.6154C>G (p.Leu2052Val) results in a conservative amino acid change in the encoded protein sequence. Algorithms developed to predict the effect of missense changes on protein structure and function are either unavailable or do not agree on the potential impact of this missense change. The variant was absent in 251496 control chromosomes. The available data on variant occurrences in the general population are insufficient to allow any conclusion about variant significance. To our knowledge, no occurrence of c.6154C>G in individuals affected with FLNB-related conditions and no experimental evidence demonstrating its impact on protein function have been reported. ClinVar contains an entry for this variant (Variation ID: 2980624). Based on the evidence outlined above, the variant was classified as uncertain significance.

Labcorp Genetics (formerly Invitae), Labcorp
Classification: Uncertain significance. Last evaluated: 2025-09-13. Review status: criteria provided, single submitter. Criteria: Invitae Variant Classification Sherloc (09022015). Collection method: clinical testing. Allele origin: germline.
Comment: This sequence change replaces leucine, which is neutral and non-polar, with valine, which is neutral and non-polar, at codon 2052 of the FLNB protein (p.Leu2052Val). This variant is present in population databases (rs372726521, gnomAD 0.0009%). This missense change has been observed in individual(s) with clinical features of autosomal dominant FLNB-related conditions (PMID: 34491919). ClinVar contains an entry for this variant (Variation ID: 2980624). Invitae Evidence Modeling of protein sequence and biophysical properties (such as structural, functional, and spatial information, amino acid conservation, physicochemical variation, residue mobility, and thermodynamic stability) indicates that this missense variant is not expected to disrupt FLNB protein function with a negative predictive value of 95%. In summary, the available evidence is currently insufficient to determine the role of this variant in disease. Therefore, it has been classified as a Variant of Uncertain Significance.

Literature cited by the submitters: PubMed 34491919 (cited by Labcorp Genetics (formerly Invitae), Labcorp).